The following is an entry in ClinVar:

NM_198253.3(TERT):c.567C>T (p.His189=)

Gene: TERT (telomerase reverse transcriptase; minus strand). Cytogenetic location: 5p15.33.
Variant type: single nucleotide variant.
Coding change: c.567C>T on transcript NM_198253.3 (MANE Select); coding-DNA position 567, C replaced by T.
Protein change: p.His189=; no amino-acid change (histidine 189 retained).
Molecular consequence: synonymous variant. On other transcripts: non-coding transcript variant (2).
Genome position (GRCh38, 1-based): chr5:1,294,319, G>A on the plus strand (C>T on the coding strand, the complement: TERT is on the minus strand). VCF-style: chr5-1294319-G-A. GRCh37 (hg19) VCF-style: chr5-1294434-G-A.
Other names: c.567C>T, p.His189= (NM_001193376.3).
Identifiers: ClinVar variation 1587548 (VCV001587548.33), dbSNP rs747935528, ClinGen allele CA443240122.

ClinVar aggregate classification (germline): Likely benign. Review status: criteria provided, multiple submitters, no conflicts (2 of 4 stars). 3 submissions from 3 submitters: Likely benign (3). Last evaluated 2022-10-22.

Conditions:
Dyskeratosis congenita. Identifiers: Orphanet 1775, MedGen C0265965, MONDO:0015780.
Dyskeratosis congenita, autosomal dominant 2. Identifiers: MedGen C3151443, MONDO:0013521, OMIM 613989.
Idiopathic Pulmonary Fibrosis. Also called: Idiopathic fibrosing alveolitis, chronic form; idiopathic fibrosing alveolitis. Identifiers: Orphanet 2032, MedGen C1800706, MeSH D054990, MONDO:0800504.

Allele frequency attached by ClinVar (database versions not stated): gnomAD 0.00001.
gnomAD v4.1: 6 of 1,589,244 alleles (0.00038%); highest among the groups gnomAD compares: South Asian, 0.0011%; no homozygotes.

Submissions (3):

Ambry Genetics
Classification: Likely benign for Dyskeratosis congenita. Last evaluated: 2022-10-22. Review status: criteria provided, single submitter. Criteria: Ambry Variant Classification Scheme 2023. Collection method: clinical testing. Allele origin: germline.

CeGaT Center for Human Genetics Tuebingen
Classification: Likely benign. Last evaluated: 2022-03-01. Review status: criteria provided, single submitter. Criteria: CeGaT Center For Human Genetics Tuebingen Variant Classification Criteria Version 2. Collection method: clinical testing. Allele origin: germline. Affected: yes. Observed: 1 variant allele.
Comment: TERT: BP4, BP7

Labcorp Genetics (formerly Invitae), Labcorp
Classification: Likely benign for Dyskeratosis congenita, autosomal dominant 2; Idiopathic Pulmonary Fibrosis. Last evaluated: 2021-11-03. Review status: criteria provided, single submitter. Criteria: Invitae Variant Classification Sherloc (09022015). Collection method: clinical testing. Allele origin: germline.